The following is an entry in ClinVar:

NM_001009944.3(PKD1):c.1249G>A (p.Gly417Arg)

Gene: PKD1 (polycystin 1, transient receptor potential channel interacting; minus strand). Cytogenetic location: 16p13.3.
Variant type: single nucleotide variant.
Coding change: c.1249G>A on transcript NM_001009944.3 (MANE Select); coding-DNA position 1249, G replaced by A.
Protein change: p.Gly417Arg; replaces glycine 417 with arginine.
Molecular consequence: missense variant.
Genome position (GRCh38, 1-based): chr16:2,117,625, C>T on the plus strand (G>A on the coding strand, the complement: PKD1 is on the minus strand). VCF-style: chr16-2117625-C-T. GRCh37 (hg19) VCF-style: chr16-2167626-C-T.
Other names: c.1249G>A, p.Gly417Arg (NM_000296.4); c.1249G>A (NM_000296.3); short protein forms G417R.
Identifiers: ClinVar variation 3579772 (VCV003579772.3).
Genomic context (GRCh38, chr16:2,117,625, plus strand): 5'-GACACTGCTCCTGCGCCTGCAGCCAGGCCGCCTTCTCCACCACCAGGCGGTAGCAGTGCC[C>T]GTTGCCAGGGAAGATCTCCGTGTCCGAGGGGCAGAGCGGGTGCACCGCTGGAGACCGGTG-3'
Protein context (NP_001009944.3, residues 407-427): PSDTEIFPGN[Gly417Arg]HCYRLVVEKA

ClinVar aggregate classification (germline): Uncertain significance. Review status: criteria provided, multiple submitters, no conflicts (2 of 4 stars). 3 submissions from 3 submitters: Uncertain significance (3). Last evaluated 2026-03-27.

Conditions:
Inborn genetic diseases. Identifiers: MedGen C0950123, MeSH D030342.
Polycystic kidney disease, adult type (PKD1). Also called: Polycystic Kidney Disease 1, Autosomal Dominant; Polycystic kidney disease 1; Polycystic kidney disease 1, severe; Polycystic Kidney, Autosomal Dominant; POLYCYSTIC KIDNEY DISEASE, ADULT, TYPE I; POLYCYSTIC KIDNEY DISEASE 1 WITH OR WITHOUT POLYCYSTIC LIVER DISEASE. Identifiers: MedGen C3149841, MONDO:0008263, OMIM 173900.

gnomAD v4.1: 16 of 1,610,630 alleles (0.00099%); highest among the groups gnomAD compares: East Asian, 0.011%; no homozygotes.

Submissions (3):

Ambry Genetics
Classification: Uncertain significance for Inborn genetic diseases. Last evaluated: 2026-03-27. Review status: criteria provided, single submitter. Criteria: Ambry Variant Classification Scheme 2023. Collection method: clinical testing. Allele origin: germline.
Comment: The c.1249G>A (p.G417R) alteration is located in exon 6 (coding exon 6) of the PKD1 gene. This alteration results from a G to A substitution at nucleotide position 1249, causing the glycine (G) at amino acid position 417 to be replaced by an arginine (R). Based on data from gnomAD, the A allele has an overall frequency of 0.003% (6/237672) total alleles studied. The highest observed frequency was 0.023% (4/17666) of East Asian alleles. Based on insufficient or conflicting evidence, the clinical significance of this alteration remains unclear.

Blueprint Genetics
Classification: Uncertain significance. Last evaluated: 2024-09-12. Review status: criteria provided, single submitter. Criteria: ACMG Guidelines, 2015. Collection method: clinical testing. Allele origin: germline.

Fulgent Genetics
Classification: Uncertain significance for Polycystic kidney disease, adult type. Last evaluated: 2024-05-03. Review status: criteria provided, single submitter. Criteria: ACMG Guidelines, 2015. Collection method: clinical testing. Allele origin: germline.